The following is an entry in ClinVar:

NM_001170629.2(CHD8):c.844-8_844-4del

Gene: CHD8 (chromodomain helicase DNA binding protein 8; minus strand). Cytogenetic location: 14q11.2.
Variant type: Deletion.
Coding change: c.844-8_844-4del on transcript NM_001170629.2 (MANE Select); 8 bases into the intron before coding-DNA position 844 through 4 bases into the intron before coding-DNA position 844, 5 bases deleted (CACTT; older notation c.844-8_844-4delCACTT).
Molecular consequence: intron variant.
Genome position (GRCh38, 1-based): chr14:21,429,339-21,429,343, AAGTG deleted on the plus strand (CACTT on the coding strand, the reverse complement: CHD8 is on the minus strand); deleting any 5 consecutive bases within chr14:21,429,339-21,429,346 gives the same sequence; the c. name uses the placement nearest the transcript's 3' end. VCF-style (leftmost placement, unchanged base first): chr14-21429338-AAAGTG-A. GRCh37 (hg19) VCF-style: chr14-21897497-AAAGTG-A.
Other names: c.7-8_7-4del (NM_020920.4).
Identifiers: ClinVar variation 2302723 (VCV002302723.2), dbSNP rs2502007849, ClinGen allele CA2580087825.

ClinVar aggregate classification (germline): Uncertain significance (1 of 4 stars; one submission).

Conditions:
Inborn genetic diseases. Identifiers: MedGen C0950123, MeSH D030342.

Submission:

Ambry Genetics
Classification: Uncertain significance for Inborn genetic diseases. Last evaluated: 2022-08-06. Review status: criteria provided, single submitter. Criteria: Ambry Variant Classification Scheme 2023. Collection method: clinical testing. Allele origin: germline.
Comment: The c.844-8_844-4delCACTT intronic variant is located 8 nucleotides upstream from coding exon 2 in the CHD8 gene. This variant results from a deletion of 5 nucleotides at positions c.844-8 to c.844-4. This variant was not reported in population-based cohorts in the Genome Aggregation Database (gnomAD). This nucleotide position is poorly conserved in available vertebrate species. In silico splice site analysis predicts that this alteration will not have any significant effect on splicing. Based on insufficient or conflicting evidence, the clinical significance of this alteration remains unclear.